The following is an entry in ClinVar:

NM_015557.3(CHD5):c.5753G>A (p.Gly1918Asp)

Gene: CHD5 (chromodomain helicase DNA binding protein 5; minus strand). Cytogenetic location: 1p36.31.
Variant type: single nucleotide variant.
Coding change: c.5753G>A on transcript NM_015557.3 (MANE Select); coding-DNA position 5753, G replaced by A.
Protein change: p.Gly1918Asp; replaces glycine 1918 with aspartic acid.
Molecular consequence: missense variant.
Genome position (GRCh38, 1-based): chr1:6,106,499, C>T on the plus strand (G>A on the coding strand, the complement: CHD5 is on the minus strand). VCF-style: chr1-6106499-C-T. GRCh37 (hg19) VCF-style: chr1-6166559-C-T.
Other names: short protein forms G1918D.
Identifiers: ClinVar variation 3364674 (VCV003364674.1).

ClinVar aggregate classification (germline): Uncertain significance (1 of 4 stars; one submission).

gnomAD v4.1: 3 of 1,552,038 alleles (0.00019%); highest among the groups gnomAD compares: East Asian, 0.0024%; no homozygotes.

Submission:

GeneDx
Classification: Uncertain significance. Last evaluated: 2023-11-23. Review status: criteria provided, single submitter. Criteria: GeneDx Variant Classification Process June 2021. Collection method: clinical testing. Allele origin: germline. Affected: yes.
Comment: Not observed at significant frequency in large population cohorts (gnomAD); In silico analysis supports that this missense variant has a deleterious effect on protein structure/function; Has not been previously published as pathogenic or benign to our knowledge